The following is an entry in ClinVar:

NM_032608.7(MYO18B):c.2980G>A (p.Glu994Lys)

Gene: MYO18B (myosin XVIIIB; plus strand). Cytogenetic location: 22q12.1.
Variant type: single nucleotide variant.
Coding change: c.2980G>A on transcript NM_032608.7 (MANE Select); coding-DNA position 2980, G replaced by A.
Protein change: p.Glu994Lys; replaces glutamic acid 994 with lysine.
Molecular consequence: missense variant.
Genome position (GRCh38, 1-based): chr22:25,832,917, G>A. VCF-style: chr22-25832917-G-A. GRCh37 (hg19) VCF-style: chr22-26228884-G-A.
Other names: c.2980G>A, p.Glu994Lys (NM_001318245.2); short protein forms E994K.
Identifiers: ClinVar variation 1511824 (VCV001511824.6), dbSNP rs2145937854, ClinGen allele CA411001438.

ClinVar aggregate classification (germline): Uncertain significance (1 of 4 stars; one submission).

Submission:

Labcorp Genetics (formerly Invitae), Labcorp
Classification: Uncertain significance. Last evaluated: 2021-08-11. Review status: criteria provided, single submitter. Criteria: Invitae Variant Classification Sherloc (09022015). Collection method: clinical testing. Allele origin: germline.
Comment: This sequence change replaces glutamic acid with lysine at codon 994 of the MYO18B protein (p.Glu994Lys). The glutamic acid residue is highly conserved and there is a small physicochemical difference between glutamic acid and lysine. This variant is not present in population databases (ExAC no frequency). This variant has not been reported in the literature in individuals affected with MYO18B-related conditions. Algorithms developed to predict the effect of missense changes on protein structure and function are either unavailable or do not agree on the potential impact of this missense change (SIFT: "Not Available"; PolyPhen-2: "Probably Damaging"; Align-GVGD: "Not Available"). In summary, the available evidence is currently insufficient to determine the role of this variant in disease. Therefore, it has been classified as a Variant of Uncertain Significance.